The following is an entry in ClinVar:

NM_000350.3(ABCA4):c.1977G>A (p.Met659Ile)

Gene: ABCA4 (ATP binding cassette subfamily A member 4; minus strand). Cytogenetic location: 1p22.1.
Variant type: single nucleotide variant.
Coding change: c.1977G>A on transcript NM_000350.3 (MANE Select); coding-DNA position 1977, G replaced by A.
Protein change: p.Met659Ile; replaces methionine 659 with isoleucine.
Molecular consequence: missense variant.
Genome position (GRCh38, 1-based): chr1:94,060,720, C>T on the plus strand (G>A on the coding strand, the complement: ABCA4 is on the minus strand). VCF-style: chr1-94060720-C-T. GRCh37 (hg19) VCF-style: chr1-94526276-C-T.
Other names: c.1977G>A, p.Met659Ile (NM_001425324.1); short protein forms M659I.
Identifiers: ClinVar variation 942235 (VCV000942235.9), dbSNP rs1661099730, ClinGen allele CA341278821.

ClinVar aggregate classification (germline): Conflicting classifications of pathogenicity. Review status: criteria provided, conflicting classifications (1 of 4 stars). 3 submissions from 3 submitters: Likely pathogenic (1); Uncertain significance (2). Last evaluated 2024-05-30.

Allele frequency attached by ClinVar (database versions not stated): TOPMed 0.00001.

Submissions (3):

GeneDx
Classification: Likely pathogenic. Last evaluated: 2024-05-30. Review status: criteria provided, single submitter. Criteria: GeneDx Variant Classification Process June 2021. Collection method: clinical testing. Allele origin: germline. Affected: yes.
Comment: Not observed at significant frequency in large population cohorts (gnomAD); RNA studies demonstrate a splicing effect with premature termination codon and nonsense-mediated mRNA decay (PMID: 37555651); In silico analysis supports that this missense variant has a deleterious effect on protein structure/function; Reported along with a pathogenic variant in the ABCA4 gene in a patient with ABCA4-related disorder in the published literature; however, segregation information was not provided (PMID: 21911583); This variant is associated with the following publications: (PMID: 34954332, 21911583, 35120629, 37555651)

Labcorp Genetics (formerly Invitae), Labcorp
Classification: Uncertain significance. Last evaluated: 2021-10-11. Review status: criteria provided, single submitter. Criteria: Invitae Variant Classification Sherloc (09022015). Collection method: clinical testing. Allele origin: germline.
Comment: This sequence change replaces methionine with isoleucine at codon 659 of the ABCA4 protein (p.Met659Ile). The methionine residue is highly conserved and there is a small physicochemical difference between methionine and isoleucine. In summary, the available evidence is currently insufficient to determine the role of this variant in disease. Therefore, it has been classified as a Variant of Uncertain Significance. Algorithms developed to predict the effect of sequence changes on RNA splicing suggest that this variant may create or strengthen a splice site. Algorithms developed to predict the effect of missense changes on protein structure and function are either unavailable or do not agree on the potential impact of this missense change (SIFT: "Deleterious"; PolyPhen-2: "Benign"; Align-GVGD: "Class C0"). This missense change has been observed in individual(s) with ABCA4-related disease (PMID: 21911583). This variant is not present in population databases (ExAC no frequency).

Blueprint Genetics
Classification: Uncertain significance. Last evaluated: 2017-12-20. Review status: criteria provided, single submitter. Criteria: ACMG Guidelines, 2015. Collection method: clinical testing. Allele origin: germline.

Literature cited by the submitters: PubMed 21911583 (cited by Labcorp Genetics (formerly Invitae), Labcorp).